The following is an entry in ClinVar:

ClinVar aggregate classification (germline): Uncertain significance (1 of 4 stars; one submission).

Conditions:
Tuberous sclerosis 2 (TSC2). Identifiers: Orphanet 805, MedGen C1860707, MONDO:0013199, OMIM 613254.

Submission:

Labcorp Genetics (formerly Invitae), Labcorp
Classification: Uncertain significance for Tuberous sclerosis 2. Last evaluated: 2018-09-24. Review status: criteria provided, single submitter. Criteria: Invitae Variant Classification Sherloc (09022015). Collection method: clinical testing. Allele origin: germline.
Comment: This sequence change replaces alanine with serine at codon 1722 of the TSC2 protein (p.Ala1722Ser). The alanine residue is highly conserved and there is a moderate physicochemical difference between alanine and serine. This variant is not present in population databases (ExAC no frequency). This variant has not been reported in the literature in individuals with TSC2-related disease. Algorithms developed to predict the effect of missense changes on protein structure and function are either unavailable or do not agree on the potential impact of this missense change (SIFT: "Deleterious"; PolyPhen-2: "Probably Damaging"; Align-GVGD: "Class C0"). In summary, the available evidence is currently insufficient to determine the role of this variant in disease. Therefore, it has been classified as a Variant of Uncertain Significance.

NM_000548.5(TSC2):c.5164G>T (p.Ala1722Ser)

Gene: TSC2 (TSC complex subunit 2; plus strand). Cytogenetic location: 16p13.3.
Variant type: single nucleotide variant.
Coding change: c.5164G>T on transcript NM_000548.5 (MANE Select); coding-DNA position 5164, G replaced by T.
Protein change: p.Ala1722Ser; replaces alanine 1722 with serine.
Molecular consequence: missense variant. On other transcripts: intron variant (1).
Genome position (GRCh38, 1-based): chr16:2,088,230, G>T. VCF-style: chr16-2088230-G-T. GRCh37 (hg19) VCF-style: chr16-2138231-G-T.
Other names: c.4963G>T, p.Ala1655Ser (NM_001077183.3); c.5095G>T, p.Ala1699Ser (NM_001114382.3); c.4855G>T, p.Ala1619Ser (NM_001318827.2); c.4819G>T, p.Ala1607Ser (NM_001318829.2); c.4432G>T, p.Ala1478Ser (NM_001318831.2); c.4996G>T, p.Ala1666Ser (NM_001318832.2); c.4966G>T, p.Ala1656Ser (NM_001363528.2); c.5032G>T, p.Ala1678Ser (NM_001370404.1); and 2 more; short protein forms A1478S, A1679S, A1619S, A1678S, A1655S, A1656S, A1666S, A1699S.
Identifiers: ClinVar variation 661115 (VCV000661115.8), dbSNP rs397515270, ClinGen allele CA394313851.